The following is an entry in ClinVar:

NM_018834.6(MATR3):c.1165A>G (p.Met389Val)

Gene: MATR3 (matrin 3; plus strand). Cytogenetic location: 5q31.2.
Variant type: single nucleotide variant.
Coding change: c.1165A>G on transcript NM_018834.6 (MANE Select); coding-DNA position 1165, A replaced by G.
Protein change: p.Met389Val; replaces methionine 389 with valine.
Molecular consequence: missense variant.
Genome position (GRCh38, 1-based): chr5:139,317,088, A>G. VCF-style: chr5-139317088-A-G. GRCh37 (hg19) VCF-style: chr5-138652777-A-G.
Other names: c.1165A>G, p.Met389Val (NM_001194954.2, NM_001194955.2, NM_001400441.1 and 16 more transcripts); c.301A>G, p.Met101Val (NM_001194956.2); c.151A>G, p.Met51Val (NM_001282278.2, NM_001400460.1, NM_001400462.1 and 5 more transcripts); c.304A>G, p.Met102Val (NM_001400459.1); c.265A>G, p.Met89Val (NM_001400461.1); c.1165A>G (NM_199189.2); short protein forms M389V, M51V, M101V, M102V, M89V.
Identifiers: ClinVar variation 2144377 (VCV002144377.5), dbSNP rs143840998, ClinGen allele CA3433062.

ClinVar aggregate classification (germline): Uncertain significance. Review status: criteria provided, multiple submitters, no conflicts (2 of 4 stars). 2 submissions from 2 submitters: Uncertain significance (2). Last evaluated 2025-10-29.

Conditions:
Inborn genetic diseases. Identifiers: MedGen C0950123, MeSH D030342.
Amyotrophic lateral sclerosis type 21. Also called: VOCAL CORD AND PHARYNGEAL DYSFUNCTION WITH DISTAL MYOPATHY; MYOPATHY, DISTAL, 2. Identifiers: Orphanet 600, Orphanet 803, MedGen C3807521, MONDO:0011632, OMIM 606070.

Allele frequency attached by ClinVar (database versions not stated): ExAC 0.00001; gnomAD 0.00001; gnomAD exomes 0.00002; TOPMed 0.00002; ESP Exome Variant Server 0.00008.
gnomAD v4.1: 35 of 1,614,002 alleles (0.0022%); highest among the groups gnomAD compares: Non-Finnish European, 0.0028%; no homozygotes.

Submissions (2):

Ambry Genetics
Classification: Uncertain significance for Inborn genetic diseases. Last evaluated: 2025-10-29. Review status: criteria provided, single submitter. Criteria: Ambry Variant Classification Scheme 2023. Collection method: clinical testing. Allele origin: germline.

Labcorp Genetics (formerly Invitae), Labcorp
Classification: Uncertain significance for Amyotrophic lateral sclerosis type 21. Last evaluated: 2024-09-09. Review status: criteria provided, single submitter. Criteria: Invitae Variant Classification Sherloc (09022015). Collection method: clinical testing. Allele origin: germline.
Comment: This sequence change replaces methionine, which is neutral and non-polar, with valine, which is neutral and non-polar, at codon 389 of the MATR3 protein (p.Met389Val). This variant is present in population databases (rs143840998, gnomAD 0.002%). This missense change has been observed in individual(s) with amyotrophic lateral sclerosis (internal data). ClinVar contains an entry for this variant (Variation ID: 2144377). Invitae Evidence Modeling of protein sequence and biophysical properties (such as structural, functional, and spatial information, amino acid conservation, physicochemical variation, residue mobility, and thermodynamic stability) indicates that this missense variant is not expected to disrupt MATR3 protein function with a negative predictive value of 80%. In summary, the available evidence is currently insufficient to determine the role of this variant in disease. Therefore, it has been classified as a Variant of Uncertain Significance.